The following is an entry in ClinVar:

ClinVar aggregate classification (germline): Pathogenic (1 of 4 stars; one submission).

Submission:

Labcorp Genetics (formerly Invitae), Labcorp
Classification: Pathogenic. Last evaluated: 2023-12-09. Review status: criteria provided, single submitter. Criteria: Invitae Variant Classification Sherloc (09022015). Collection method: clinical testing. Allele origin: germline.
Comment: This sequence change creates a premature translational stop signal (p.Trp520*) in the TSHR gene. While this is not anticipated to result in nonsense mediated decay, it is expected to disrupt the last 245 amino acid(s) of the TSHR protein. This variant is not present in population databases (gnomAD no frequency). This premature translational stop signal has been observed in individual(s) with hypothyroidism (PMID: 19417038, 23563316). Algorithms developed to predict the effect of variants on protein structure and function are not available or were not evaluated for this variant. Experimental studies have shown that this premature translational stop signal affects TSHR function (PMID: 23563316). This variant disrupts a region of the TSHR protein in which other variant(s) (p.Thr655Cysfs*2) have been determined to be pathogenic (PMID: 9589691, 12050212, 22049173). This suggests that this is a clinically significant region of the protein, and that variants that disrupt it are likely to be disease-causing. For these reasons, this variant has been classified as Pathogenic.

Literature cited by the submitters: PubMed 19417038; PubMed 23563316; PubMed 9589691; PubMed 12050212; PubMed 22049173.

NM_000369.5(TSHR):c.1560G>A (p.Trp520Ter)

Genes: TSHR (thyroid stimulating hormone receptor; plus strand), TSHR-AS1 (TSHR antisense RNA 1; minus strand). Cytogenetic location: 14q31.1.
Variant type: single nucleotide variant.
Coding change: c.1560G>A on transcript NM_000369.5 (MANE Select); coding-DNA position 1560, G replaced by A.
Protein change: p.Trp520Ter; replaces tryptophan 520 with a stop codon.
Molecular consequence: nonsense.
Genome position (GRCh38, 1-based): chr14:81,143,618, G>A. VCF-style: chr14-81143618-G-A. GRCh37 (hg19) VCF-style: chr14-81609962-G-A.
Other names: short protein forms W520*.
Identifiers: ClinVar variation 2701523 (VCV002701523.3), dbSNP rs778363012, ClinGen allele CA390728148.